The following is an entry in ClinVar:

NM_001365276.2(TNXB):c.3662A>C (p.His1221Pro)

Gene: TNXB (tenascin XB; minus strand). Cytogenetic location: 6p21.33.
Variant type: single nucleotide variant.
Coding change: c.3662A>C on transcript NM_001365276.2 (MANE Select); coding-DNA position 3662, A replaced by C.
Protein change: p.His1221Pro; replaces histidine 1221 with proline.
Molecular consequence: missense variant.
Genome position (GRCh38, 1-based): chr6:32,082,110, T>G on the plus strand (A>C on the coding strand, the complement: TNXB is on the minus strand). VCF-style: chr6-32082110-T-G. GRCh37 (hg19) VCF-style: chr6-32049887-T-G.
Other names: c.3662A>C, p.His1221Pro (NM_019105.8); short protein forms H1221P.
Identifiers: ClinVar variation 1733701 (VCV001733701.2), dbSNP rs746868657, ClinGen allele CA3735140.

ClinVar aggregate classification (germline): Uncertain significance (1 of 4 stars; one submission).

Conditions:
Cardiovascular phenotype. Identifiers: MedGen CN230736.

Allele frequency attached by ClinVar (database versions not stated): ExAC 0.00001.
gnomAD v4.1: 11 of 1,611,216 alleles (0.00068%); highest among the groups gnomAD compares: Non-Finnish European, 0.00093%; no homozygotes.

Submission:

Ambry Genetics
Classification: Uncertain significance for Cardiovascular phenotype. Last evaluated: 2019-07-30. Review status: criteria provided, single submitter. Criteria: Ambry Variant Classification Scheme 2023. Collection method: clinical testing. Allele origin: germline.
Comment: The p.H1221P variant (also known as c.3662A>C), located in coding exon 8 of the TNXB gene, results from an A to C substitution at nucleotide position 3662. The histidine at codon 1221 is replaced by proline, an amino acid with similar properties. This amino acid position is not well conserved in available vertebrate species. In addition, this alteration is predicted to be tolerated by in silico analysis. Since supporting evidence is limited at this time, the clinical significance of this alteration remains unclear.